The following is an entry in ClinVar:

ClinVar aggregate classification (germline): Pathogenic (1 of 4 stars; one submission).

Submission:

CeGaT Center for Human Genetics Tuebingen
Classification: Pathogenic. Last evaluated: 2023-05-01. Review status: criteria provided, single submitter. Criteria: CeGaT Center For Human Genetics Tuebingen Variant Classification Criteria Version 2. Collection method: clinical testing. Allele origin: germline. Affected: yes. Observed: 1 variant allele.
Comment: COL11A2: PVS1, PM2, PM6:Supporting

NM_080680.3(COL11A2):c.4123-1G>T

Gene: COL11A2 (collagen type XI alpha 2 chain; minus strand). Cytogenetic location: 6p21.32.
Variant type: single nucleotide variant.
Coding change: c.4123-1G>T on transcript NM_080680.3 (MANE Select); the canonical splice acceptor site of the intron before coding-DNA position 4123, G replaced by T.
Molecular consequence: splice acceptor variant.
Genome position (GRCh38, 1-based): chr6:33,167,318, C>A on the plus strand (G>T on the coding strand, the complement: COL11A2 is on the minus strand). VCF-style: chr6-33167318-C-A. GRCh37 (hg19) VCF-style: chr6-33135095-C-A.
Other names: c.3865-1G>T (NM_080681.3); c.3802-1G>T (NM_080679.3).
Identifiers: ClinVar variation 1701500 (VCV001701500.31), dbSNP rs2150524851, ClinGen allele CA363622817.